The following is an entry in ClinVar:

NM_002692.4(POLE2):c.736G>C (p.Glu246Gln)

Gene: POLE2 (DNA polymerase epsilon 2, accessory subunit; minus strand). Cytogenetic location: 14q21.3.
Variant type: single nucleotide variant.
Coding change: c.736G>C on transcript NM_002692.4 (MANE Select); coding-DNA position 736, G replaced by C.
Protein change: p.Glu246Gln; replaces glutamic acid 246 with glutamine.
Molecular consequence: missense variant.
Genome position (GRCh38, 1-based): chr14:49,663,334, C>G on the plus strand (G>C on the coding strand, the complement: POLE2 is on the minus strand). VCF-style: chr14-49663334-C-G. GRCh37 (hg19) VCF-style: chr14-50130052-C-G.
Other names: c.658G>C, p.Glu220Gln (NM_001197330.2); c.736G>C, p.Glu246Gln (NM_001197331.3, NM_001348384.2); c.505G>C, p.Glu169Gln (NM_001348385.2); short protein forms E246Q, E169Q, E220Q.
Identifiers: ClinVar variation 3781616 (VCV003781616.2).

ClinVar aggregate classification (germline): Uncertain significance. Review status: criteria provided, multiple submitters, no conflicts (2 of 4 stars). 2 submissions from 2 submitters: Uncertain significance (2). Last evaluated 2025-07-03.

Submissions (2):

Labcorp Genetics (formerly Invitae), Labcorp
Classification: Uncertain significance. Last evaluated: 2025-07-03. Review status: criteria provided, single submitter. Criteria: Invitae Variant Classification Sherloc (09022015). Collection method: clinical testing. Allele origin: germline.
Comment: This sequence change replaces glutamic acid, which is acidic and polar, with glutamine, which is neutral and polar, at codon 246 of the POLE2 protein (p.Glu246Gln). This variant is not present in population databases (gnomAD no frequency). This variant has not been reported in the literature in individuals affected with POLE2-related conditions. ClinVar contains an entry for this variant (Variation ID: 3781616). An algorithm developed to predict the effect of missense changes on protein structure and function (PolyPhen-2) suggests that this variant is likely to be disruptive. In summary, the available evidence is currently insufficient to determine the role of this variant in disease. Therefore, it has been classified as a Variant of Uncertain Significance.

Ambry Genetics
Classification: Uncertain significance. Last evaluated: 2025-03-08. Review status: criteria provided, single submitter. Criteria: Ambry Variant Classification Scheme 2023. Collection method: clinical testing. Allele origin: germline.